The following is an entry in ClinVar:

ClinVar aggregate classification (germline): Uncertain significance (1 of 4 stars; one submission).

Submission:

Labcorp Genetics (formerly Invitae), Labcorp
Classification: Uncertain significance. Last evaluated: 2023-01-31. Review status: criteria provided, single submitter. Criteria: Invitae Variant Classification Sherloc (09022015). Collection method: clinical testing. Allele origin: germline.
Comment: This variant has not been reported in the literature in individuals affected with MYH3-related conditions. This sequence change falls in intron 39 of the MYH3 gene. It does not directly change the encoded amino acid sequence of the MYH3 protein. It affects a nucleotide within the consensus splice site. This variant is not present in population databases (gnomAD no frequency). Variants that disrupt the consensus splice site are a relatively common cause of aberrant splicing (PMID: 17576681, 9536098). Algorithms developed to predict the effect of sequence changes on RNA splicing suggest that this variant may disrupt the consensus splice site. In summary, the available evidence is currently insufficient to determine the role of this variant in disease. Therefore, it has been classified as a Variant of Uncertain Significance.

Literature cited by the submitters: PubMed 17576681; PubMed 9536098.

NM_002470.4(MYH3):c.5658+5G>A

Gene: MYH3 (myosin heavy chain 3; minus strand). Cytogenetic location: 17p13.1.
Variant type: single nucleotide variant.
Coding change: c.5658+5G>A on transcript NM_002470.4 (MANE Select); 5 bases into the intron after coding-DNA position 5658, G replaced by A.
Molecular consequence: intron variant.
Genome position (GRCh38, 1-based): chr17:10,629,837, C>T on the plus strand (G>A on the coding strand, the complement: MYH3 is on the minus strand). VCF-style: chr17-10629837-C-T. GRCh37 (hg19) VCF-style: chr17-10533154-C-T.
Identifiers: ClinVar variation 2814651 (VCV002814651.3), dbSNP rs2508560176, ClinGen allele CA2739267137.